The following is an entry in ClinVar:

ClinVar aggregate classification (germline): Likely benign (1 of 4 stars; one submission).

Conditions:
NIPBL-related disorder. Also called: NIPBL-related condition.

gnomAD v4.1: 3 of 1,613,862 alleles (0.00019%); highest among the groups gnomAD compares: East Asian, 0.0022%; no homozygotes.

Submission:

PreventionGenetics, part of Exact Sciences
Classification: Likely benign for NIPBL-related condition. Last evaluated: 2026-08-13. Review status: criteria provided, single submitter. Criteria: ACMG Guidelines, 2015. Collection method: clinical testing. Allele origin: germline.
Comment: This variant is classified as likely benign based on ACMG/AMP sequence variant interpretation guidelines (Richards et al. 2015 PMID: 25741868, with internal and published modifications).

NM_133433.4(NIPBL):c.7008C>T (p.Asn2336=)

Gene: NIPBL (NIPBL cohesin loading factor; plus strand). Cytogenetic location: 5p13.2.
Variant type: single nucleotide variant.
Coding change: c.7008C>T on transcript NM_133433.4 (MANE Select); coding-DNA position 7008, C replaced by T.
Protein change: p.Asn2336=; no amino-acid change (asparagine 2336 retained).
Molecular consequence: synonymous variant.
Genome position (GRCh38, 1-based): chr5:37,051,832, C>T. VCF-style: chr5-37051832-C-T. GRCh37 (hg19) VCF-style: chr5-37051934-C-T.
Other names: c.7008C>T, p.Asn2336= (NM_001438586.1, NM_015384.5).
Identifiers: ClinVar variation 4982544 (VCV004982544.1).